The following is an entry in ClinVar:

NM_000321.3(RB1):c.1540T>C (p.Phe514Leu)

Gene: RB1 (RB transcriptional corepressor 1; plus strand). Cytogenetic location: 13q14.2.
Variant type: single nucleotide variant.
Coding change: c.1540T>C on transcript NM_000321.3 (MANE Select); coding-DNA position 1540, T replaced by C.
Protein change: p.Phe514Leu; replaces phenylalanine 514 with leucine.
Molecular consequence: missense variant.
Genome position (GRCh38, 1-based): chr13:48,381,288, T>C. VCF-style: chr13-48381288-T-C. GRCh37 (hg19) VCF-style: chr13-48955424-T-C.
Other names: c.1540T>C (NM_000321.2); short protein forms F514L.
Identifiers: ClinVar variation 1054100 (VCV001054100.11), dbSNP rs2138145028, ClinGen allele CA388163427.

ClinVar aggregate classification (germline): Uncertain significance. Review status: criteria provided, multiple submitters, no conflicts (2 of 4 stars). 2 submissions from 2 submitters: Uncertain significance (2). Last evaluated 2025-08-19.

Conditions:
Retinoblastoma (RB1). Also called: RETINOBLASTOMA, SOMATIC. Identifiers: Orphanet 790, MedGen C0035335, MeSH D012175, MONDO:0008380, OMIM 180200, HP:0009919. Disease mechanism: loss of function. Inheritance: Both sporadic and heritable forms are tested..
Hereditary cancer-predisposing syndrome. Also called: Hereditary Cancer Syndrome; Tumor predisposition; Hereditary neoplastic syndrome; Neoplastic Syndromes, Hereditary. Identifiers: Orphanet 140162, MedGen C0027672, MeSH D009386, MONDO:0015356.

Submissions (2):

Ambry Genetics
Classification: Uncertain significance for Hereditary cancer-predisposing syndrome. Last evaluated: 2025-08-19. Review status: criteria provided, single submitter. Criteria: Ambry Variant Classification Scheme 2023. Collection method: clinical testing. Allele origin: germline.
Comment: The p.F514L variant (also known as c.1540T>C), located in coding exon 17 of the RB1 gene, results from a T to C substitution at nucleotide position 1540. The phenylalanine at codon 514 is replaced by leucine, an amino acid with highly similar properties. This variant was reported in an individual with unilateral retinoblastoma (Rushlow D et al. Hum Mutat, 2009 May;30:842-51). This amino acid position is highly conserved in available vertebrate species. In addition, this alteration is predicted to be deleterious by in silico analysis. Based on the available evidence, the clinical significance of this variant remains unclear.

Labcorp Genetics (formerly Invitae), Labcorp
Classification: Uncertain significance for Retinoblastoma. Last evaluated: 2023-11-28. Review status: criteria provided, single submitter. Criteria: Invitae Variant Classification Sherloc (09022015). Collection method: clinical testing. Allele origin: germline.
Comment: This sequence change replaces phenylalanine, which is neutral and non-polar, with leucine, which is neutral and non-polar, at codon 514 of the RB1 protein (p.Phe514Leu). This variant is not present in population databases (gnomAD no frequency). This missense change has been observed in individual(s) with unilateral retinoblastoma (PMID: 19280657). ClinVar contains an entry for this variant (Variation ID: 1054100). Advanced modeling of protein sequence and biophysical properties (such as structural, functional, and spatial information, amino acid conservation, physicochemical variation, residue mobility, and thermodynamic stability) performed at Invitae indicates that this missense variant is expected to disrupt RB1 protein function with a positive predictive value of 80%. In summary, the available evidence is currently insufficient to determine the role of this variant in disease. Therefore, it has been classified as a Variant of Uncertain Significance.

Literature cited by the submitters: PubMed 19280657 (cited by Ambry Genetics and Labcorp Genetics (formerly Invitae), Labcorp).